The following is an entry in ClinVar:

NM_001853.4(COL9A3):c.1459G>A (p.Gly487Ser)

Genes: COL9A3 (collagen type IX alpha 3 chain; plus strand), LOC126863084 (MED14-independent group 3 enhancer GRCh37_chr20:61467141-61468340; plus strand). Cytogenetic location: 20q13.33.
Variant type: single nucleotide variant.
Coding change: c.1459G>A on transcript NM_001853.4 (MANE Select); coding-DNA position 1459, G replaced by A.
Protein change: p.Gly487Ser; replaces glycine 487 with serine.
Molecular consequence: missense variant.
Genome position (GRCh38, 1-based): chr20:62,836,244, G>A. VCF-style: chr20-62836244-G-A. GRCh37 (hg19) VCF-style: chr20-61467596-G-A.
Other names: c.1459G>A (NM_001853.3); short protein forms G487S.
Identifiers: ClinVar variation 1989540 (VCV001989540.8), dbSNP rs777612158, ClinGen allele CA9949993.

ClinVar aggregate classification (germline): Uncertain significance. Review status: criteria provided, multiple submitters, no conflicts (2 of 4 stars). 4 submissions from 4 submitters: Uncertain significance (3). 1 of the submissions does not count toward it. Last evaluated 2025-09-01.

Conditions:
Inborn genetic diseases. Identifiers: MedGen C0950123, MeSH D030342.
COL9A3-related disorder. Also called: COL9A3-related condition.

Allele frequency attached by ClinVar (database versions not stated): gnomAD exomes 0.00001; gnomAD 0.00003; TOPMed 0.00003.
gnomAD v4.1: 22 of 1,613,592 alleles (0.0014%); highest among the groups gnomAD compares: African/African-American, 0.008%; no homozygotes.

Submissions (4):

Ambry Genetics
Classification: Uncertain significance for Inborn genetic diseases. Last evaluated: 2025-09-01. Review status: criteria provided, single submitter. Criteria: Ambry Variant Classification Scheme 2023. Collection method: clinical testing. Allele origin: germline.

Labcorp Genetics (formerly Invitae), Labcorp
Classification: Uncertain significance. Last evaluated: 2025-04-14. Review status: criteria provided, single submitter. Criteria: Invitae Variant Classification Sherloc (09022015). Collection method: clinical testing. Allele origin: germline.
Comment: This sequence change replaces glycine, which is neutral and non-polar, with serine, which is neutral and polar, at codon 487 of the COL9A3 protein (p.Gly487Ser). This variant is present in population databases (rs777612158, gnomAD 0.008%). This variant has not been reported in the literature in individuals affected with COL9A3-related conditions. ClinVar contains an entry for this variant (Variation ID: 1989540). Invitae Evidence Modeling of protein sequence and biophysical properties (such as structural, functional, and spatial information, amino acid conservation, physicochemical variation, residue mobility, and thermodynamic stability) indicates that this missense variant is expected to disrupt COL9A3 protein function with a positive predictive value of 95%. In summary, the available evidence is currently insufficient to determine the role of this variant in disease. Therefore, it has been classified as a Variant of Uncertain Significance.

GeneDx
Classification: Uncertain significance. Last evaluated: 2024-08-19. Review status: criteria provided, single submitter. Criteria: GeneDx Variant Classification Process June 2021. Collection method: clinical testing. Allele origin: germline. Affected: yes.
Comment: Has not been previously published as pathogenic or benign to our knowledge; Not observed at significant frequency in large population cohorts (gnomAD); In silico analysis supports that this missense variant has a deleterious effect on protein structure/function

PreventionGenetics, part of Exact Sciences
Classification: Uncertain significance for COL9A3-related condition. Last evaluated: 2023-11-15. Review status: no assertion criteria provided. Collection method: clinical testing. Allele origin: germline. Not counted in ClinVar's aggregate classification.
Comment: The COL9A3 c.1459G>A variant is predicted to result in the amino acid substitution p.Gly487Ser. To our knowledge, this variant has not been reported in the literature. This variant is reported in 0.0082% of alleles in individuals of African descent in gnomAD. At this time, the clinical significance of this variant is uncertain due to the absence of conclusive functional and genetic evidence.